The following is an entry in ClinVar:

NM_001358530.2(MOCS1):c.815G>A (p.Arg272Gln)

Gene: MOCS1 (molybdenum cofactor synthesis 1; minus strand). Cytogenetic location: 6p21.2.
Variant type: single nucleotide variant.
Coding change: c.815G>A on transcript NM_001358530.2 (MANE Select); coding-DNA position 815, G replaced by A.
Protein change: p.Arg272Gln; replaces arginine 272 with glutamine.
Molecular consequence: missense variant. On other transcripts: non-coding transcript variant (1).
Genome position (GRCh38, 1-based): chr6:39,912,947, C>T on the plus strand (G>A on the coding strand, the complement: MOCS1 is on the minus strand). VCF-style: chr6-39912947-C-T. GRCh37 (hg19) VCF-style: chr6-39880691-C-T.
Other names: c.815G>A, p.Arg272Gln (NM_001075098.4, NM_001358529.2, NM_005943.6); c.554G>A, p.Arg185Gln (NM_001358531.2, NM_001358533.2, NM_001358534.2); c.815G>A (NM_005943.5); short protein forms R185Q, R272Q.
Identifiers: ClinVar variation 1062944 (VCV001062944.6), dbSNP rs368776652, ClinGen allele CA3796141.

ClinVar aggregate classification (germline): Conflicting classifications of pathogenicity. Review status: criteria provided, conflicting classifications (1 of 4 stars). 3 submissions from 3 submitters: Uncertain significance (1); Likely benign (2). Last evaluated 2025-01-26.

Conditions:
Inborn genetic diseases. Identifiers: MedGen C0950123, MeSH D030342.
Sulfite oxidase deficiency due to molybdenum cofactor deficiency type A. Also called: Molybdenum cofactor deficiency, complementation group A; Molybdenum Cofactor Deficiency A. Identifiers: Orphanet 308386, Orphanet 833, MedGen C1854988, MONDO:0009643, OMIM 252150.

Allele frequency attached by ClinVar (database versions not stated): ExAC 0.00001; gnomAD 0.00001; gnomAD exomes 0.00001 and 0.00002; TOPMed 0.00002; ESP Exome Variant Server 0.00008.
gnomAD v4.1: 27 of 1,614,024 alleles (0.0017%); highest among the groups gnomAD compares: African/African-American, 0.0027%; no homozygotes.

Submissions (3):

Ambry Genetics
Classification: Likely benign for Inborn genetic diseases. Last evaluated: 2025-01-26. Review status: criteria provided, single submitter. Criteria: Ambry Variant Classification Scheme 2023. Collection method: clinical testing. Allele origin: germline.

Blueprint Genetics
Classification: Likely benign. Last evaluated: 2023-04-20. Review status: criteria provided, single submitter. Criteria: ACMG Guidelines, 2015. Collection method: clinical testing. Allele origin: germline.

Labcorp Genetics (formerly Invitae), Labcorp
Classification: Uncertain significance for Sulfite oxidase deficiency due to molybdenum cofactor deficiency type A. Last evaluated: 2022-08-23. Review status: criteria provided, single submitter. Criteria: Invitae Variant Classification Sherloc (09022015). Collection method: clinical testing. Allele origin: germline.
Comment: This sequence change replaces arginine, which is basic and polar, with glutamine, which is neutral and polar, at codon 272 of the MOCS1 protein (p.Arg272Gln). This variant is present in population databases (rs368776652, gnomAD 0.007%). This variant has not been reported in the literature in individuals affected with MOCS1-related conditions. ClinVar contains an entry for this variant (Variation ID: 1062944). Algorithms developed to predict the effect of missense changes on protein structure and function output the following: SIFT: "Not Available"; PolyPhen-2: "Benign"; Align-GVGD: "Not Available". The glutamine amino acid residue is found in multiple mammalian species, which suggests that this missense change does not adversely affect protein function. In summary, the available evidence is currently insufficient to determine the role of this variant in disease. Therefore, it has been classified as a Variant of Uncertain Significance.